The following is an entry in ClinVar:

ClinVar aggregate classification (germline): Uncertain significance (1 of 4 stars; one submission).

Conditions:
SH3PXD2B-related disorder. Also called: SH3PXD2B-related condition.

gnomAD v4.1: 65 of 1,535,496 alleles (0.0042%); highest among the groups gnomAD compares: Admixed American, 0.11%; no homozygotes.

Submission:

PreventionGenetics, part of Exact Sciences
Classification: Uncertain significance for SH3PXD2B-related condition. Last evaluated: 2026-02-27. Review status: criteria provided, single submitter. Criteria: ACMG Guidelines, 2015. Collection method: clinical testing. Allele origin: germline.
Comment: The SH3PXD2B c.1224A>C variant is predicted to result in the amino acid substitution p.Glu408Asp. This variant is referred to as c.1224A>C (p.Glu408Asp) in the alternate transcript NM_001308175.1. To our knowledge, this variant has not been reported in the literature. This variant is reported in 0.13% of alleles in individuals of Latino descent in gnomAD. Although we suspect that this variant may be benign, at this time, the clinical significance of this variant is uncertain due to the absence of conclusive functional and genetic evidence.

NM_001308175.2(SH3PXD2B):c.1224A>C (p.Glu408Asp)

Gene: SH3PXD2B (SH3 and PX domains 2B; minus strand). Cytogenetic location: 5q35.1.
Variant type: single nucleotide variant.
Coding change: c.1224A>C on transcript NM_001308175.2; coding-DNA position 1224, A replaced by C.
Protein change: p.Glu408Asp; replaces glutamic acid 408 with aspartic acid.
Molecular consequence: missense variant.
Genome position (GRCh38, 1-based): chr5:172,325,345, T>G on the plus strand (A>C on the coding strand, the complement: SH3PXD2B is on the minus strand). VCF-style: chr5-172325345-T-G. GRCh37 (hg19) VCF-style: chr5-171752349-T-G.
Other names: short protein forms E408D.
Identifiers: ClinVar variation 4997858 (VCV004997858.1).